The following is an entry in ClinVar:

ClinVar aggregate classification (germline): Likely benign (1 of 4 stars; one submission).

Submission:

CeGaT Center for Human Genetics Tuebingen
Classification: Likely benign. Last evaluated: 2025-02-01. Review status: criteria provided, single submitter. Criteria: CeGaT Center For Human Genetics Tuebingen Variant Classification Criteria Version 2. Collection method: clinical testing. Allele origin: germline. Affected: yes. Observed: 1 variant allele.
Comment: MUC12: BP4, BP7

NM_001164462.2(MUC12):c.1050G>A (p.Ala350=)

Gene: MUC12 (mucin 12, cell surface associated; plus strand). Cytogenetic location: 7q22.1.
Variant type: single nucleotide variant.
Coding change: c.1050G>A on transcript NM_001164462.2 (MANE Select); coding-DNA position 1050, G replaced by A.
Protein change: p.Ala350=; no amino-acid change (alanine 350 retained).
Molecular consequence: synonymous variant.
Genome position (GRCh38, 1-based): chr7:100,991,613, G>A. VCF-style: chr7-100991613-G-A. GRCh37 (hg19) VCF-style: chr7-100634894-G-A.
Identifiers: ClinVar variation 3770855 (VCV003770855.13).
Genomic context (GRCh38, chr7:100,991,613, plus strand): 5'-GACACCAGTCCACAGCAGCCCAGTTGCAACTGCAACAACACCCCCACCTGCCCGCTCCGC[G>A]ACCTCAGGCCATGTTGAAGAATCTACAGCCTACCACAGGAGCCCGGGCTCAACTCAAACA-3'
Protein context (NP_001157934.1, residues 340-360): TATTPPPARS[Ala350=]TSGHVEESTA